The following is an entry in ClinVar:

ClinVar aggregate classification (germline): Uncertain significance (1 of 4 stars; one submission).

gnomAD v4.1: 1 of 1,609,284 alleles (0.000062%); highest among the groups gnomAD compares: Non-Finnish European, 0.000085%; no homozygotes.

Submission:

Ambry Genetics
Classification: Uncertain significance. Last evaluated: 2023-04-25. Review status: criteria provided, single submitter. Criteria: Ambry Variant Classification Scheme 2023. Collection method: clinical testing. Allele origin: germline.
Comment: The p.V1096M variant (also known as c.3286G>A), located in coding exon 28 of the PRKDC gene, results from a G to A substitution at nucleotide position 3286. The valine at codon 1096 is replaced by methionine, an amino acid with highly similar properties. This amino acid position is conserved. In addition, the in silico prediction for this alteration is inconclusive. Since supporting evidence is limited at this time, the clinical significance of this alteration remains unclear.

NM_006904.7(PRKDC):c.3286G>A (p.Val1096Met)

Gene: PRKDC (protein kinase, DNA-activated, catalytic subunit; minus strand). Cytogenetic location: 8q11.21.
Variant type: single nucleotide variant.
Coding change: c.3286G>A on transcript NM_006904.7 (MANE Select); coding-DNA position 3286, G replaced by A.
Protein change: p.Val1096Met; replaces valine 1096 with methionine.
Molecular consequence: missense variant.
Genome position (GRCh38, 1-based): chr8:47,900,451, C>T on the plus strand (G>A on the coding strand, the complement: PRKDC is on the minus strand). VCF-style: chr8-47900451-C-T. GRCh37 (hg19) VCF-style: chr8-48813011-C-T.
Other names: c.3286G>A, p.Val1096Met (NM_001081640.2); short protein forms V1096M.
Identifiers: ClinVar variation 2564535 (VCV002564535.2), dbSNP rs764536422, ClinGen allele CA371155846.
Genomic context (GRCh38, chr8:47,900,451, plus strand): 5'-CATGTGCTAAGGCCAGACTCTCCATGTATATCACCAAGGCTTCAAACACAAACTGTTCCA[C>T]CAGAGACTCTTCTTCCCTGTAAAATAAAGAATAGGAAACCTCACCTAAGAAAACAATAAA-3'
Protein context (NP_008835.5, residues 1086-1106): YREFREEESL[Val1096Met]EQFVFEALVI